The following is an entry in ClinVar:

ClinVar aggregate classification (germline): Conflicting classifications of pathogenicity. Review status: criteria provided, conflicting classifications (1 of 4 stars). 4 submissions from 4 submitters: Uncertain significance (3); Likely benign (1). Last evaluated 2026-05-13.

Conditions:
TTN-related disorder. Also called: TTN-related condition; TTN-related disease; TTN-related disorders.
Dilated cardiomyopathy 1G (CMD1G). Identifiers: Orphanet 154, MedGen C1858763, MONDO:0011400, OMIM 604145.
Autosomal recessive limb-girdle muscular dystrophy type 2J (LGMDR10). Also called: Limb-girdle muscular dystrophy, type 2J; MUSCULAR DYSTROPHY, LIMB-GIRDLE, AUTOSOMAL RECESSIVE 10. Identifiers: Orphanet 140922, MedGen C1837342, MONDO:0012127, OMIM 608807.

Allele frequency attached by ClinVar (database versions not stated): gnomAD exomes 0.00006; ExAC 0.00008; ESP Exome Variant Server 0.00008; gnomAD 0.00017.
gnomAD v4.1: 50 of 1,585,366 alleles (0.0032%); highest among the groups gnomAD compares: African/African-American, 0.042%; no homozygotes.

Submissions (4):

PreventionGenetics, part of Exact Sciences
Classification: Uncertain significance for TTN-related condition. Last evaluated: 2026-05-13. Review status: criteria provided, single submitter. Criteria: ACMG Guidelines, 2015. Collection method: clinical testing. Allele origin: germline.
Comment: The TTN c.40352C>A variant is predicted to result in the amino acid substitution p.Pro13451His. To our knowledge, this variant has not been reported in the literature. This variant is reported in 0.036% of alleles in individuals of African descent in gnomAD. At this time, the clinical significance of this variant is uncertain due to the absence of conclusive functional and genetic evidence.

Revvity Omics, Revvity
Classification: Uncertain significance. Last evaluated: 2024-04-08. Review status: criteria provided, single submitter. Criteria: ACMG Guidelines, 2015. Collection method: clinical testing. Allele origin: germline.

GeneDx
Classification: Likely benign. Last evaluated: 2021-01-21. Review status: criteria provided, single submitter. Criteria: GeneDx Variant Classification Process June 2021. Collection method: clinical testing. Allele origin: germline. Affected: yes.

Labcorp Genetics (formerly Invitae), Labcorp
Classification: Uncertain significance for Dilated cardiomyopathy 1G; Autosomal recessive limb-girdle muscular dystrophy type 2J. Last evaluated: 2017-05-16. Review status: criteria provided, single submitter. Criteria: Invitae Variant Classification Sherloc (09022015). Collection method: clinical testing. Allele origin: germline.

NM_001267550.2(TTN):c.40352C>A (p.Pro13451His)

Gene: TTN (titin; minus strand). Cytogenetic location: 2q31.2.
Variant type: single nucleotide variant.
Coding change: c.40352C>A on transcript NM_001267550.2 (MANE Select); coding-DNA position 40352, C replaced by A.
Protein change: p.Pro13451His; replaces proline 13451 with histidine.
Molecular consequence: missense variant. On other transcripts: intron variant (3).
Genome position (GRCh38, 1-based): chr2:178,645,976, G>T on the plus strand (C>A on the coding strand, the complement: TTN is on the minus strand). VCF-style: chr2-178645976-G-T. GRCh37 (hg19) VCF-style: chr2-179510703-G-T.
Other names: p.P11810H:CCT>CAT; c.35429C>A, p.Pro11810His (NM_001256850.1); c.32648C>A, p.Pro10883His (NM_133378.4); c.13283-3659C>A (NM_003319.4); c.13859-3659C>A (NM_133437.4); c.13658-3659C>A (NM_133432.3); short protein forms P11810H, P13451H, P10883H.
Identifiers: ClinVar variation 202610 (VCV000202610.9), dbSNP rs370048456, ClinGen allele CA309746.